The following is an entry in ClinVar:

ClinVar aggregate classification (germline): Uncertain significance (1 of 4 stars; one submission).

Conditions:
Hereditary cancer-predisposing syndrome. Also called: Neoplastic Syndromes, Hereditary; Tumor predisposition; Hereditary Cancer Syndrome; Hereditary neoplastic syndrome. Identifiers: Orphanet 140162, MedGen C0027672, MeSH D009386, MONDO:0015356.

Submission:

Ambry Genetics
Classification: Uncertain significance for Hereditary cancer-predisposing syndrome. Last evaluated: 2025-09-26. Review status: criteria provided, single submitter. Criteria: Ambry Variant Classification Scheme 2023. Collection method: clinical testing. Allele origin: germline.
Comment: The p.K1126M variant (also known as c.3377A>T), located in coding exon 21 of the RAD50 gene, results from an A to T substitution at nucleotide position 3377. The lysine at codon 1126 is replaced by methionine, an amino acid with similar properties. This amino acid position is conserved. In addition, the in silico prediction for this alteration is inconclusive. Based on the available evidence, the clinical significance of this variant remains unclear.

NM_005732.4(RAD50):c.3377A>T (p.Lys1126Met)

Gene: RAD50 (RAD50 double strand break repair protein; plus strand). Cytogenetic location: 5q31.1.
Variant type: single nucleotide variant.
Coding change: c.3377A>T on transcript NM_005732.4 (MANE Select); coding-DNA position 3377, A replaced by T.
Protein change: p.Lys1126Met; replaces lysine 1126 with methionine.
Molecular consequence: missense variant.
Genome position (GRCh38, 1-based): chr5:132,618,282, A>T. VCF-style: chr5-132618282-A-T. GRCh37 (hg19) VCF-style: chr5-131953974-A-T.
Other names: short protein forms K1126M.
Identifiers: ClinVar variation 4677815 (VCV004677815.1).